The following is an entry in ClinVar:

NM_053025.4(MYLK):c.4414dup (p.Ser1472fs)

Gene: MYLK (myosin light chain kinase; minus strand). Cytogenetic location: 3q21.1.
Variant type: Duplication.
Coding change: c.4414dup on transcript NM_053025.4 (MANE Select); coding-DNA position 4414, one base duplicated (T; older notation c.4414dupT).
Protein change: p.Ser1472fs; shifts the reading frame from serine 1472.
Molecular consequence: frameshift variant.
Genome position (GRCh38, 1-based): chr3:123,648,972, A duplicated on the plus strand (T on the coding strand, the reverse complement: MYLK is on the minus strand). VCF-style (leftmost placement, unchanged base first): chr3-123648971-G-GA. GRCh37 (hg19) VCF-style: chr3-123367818-G-GA.
Other names: c.3886dup, p.Ser1296fs (NM_001321309.2); c.4207dup, p.Ser1403fs (NM_053026.4, NM_053028.4); c.4414dup, p.Ser1472fs (NM_053027.4); short protein forms S1403fs, S1296fs, S1472fs.
Identifiers: ClinVar variation 3725509 (VCV003725509.2).

ClinVar aggregate classification (germline): Pathogenic (1 of 4 stars; one submission).

Conditions:
Aortic aneurysm, familial thoracic 7 (AAT7). Also called: AORTIC DISSECTION, FAMILIAL, WITH OR WITHOUT AORTIC ANEURYSM. Identifiers: MedGen C3151077, MONDO:0013418, OMIM 613780.

Submission:

Labcorp Genetics (formerly Invitae), Labcorp
Classification: Pathogenic for Aortic aneurysm, familial thoracic 7. Last evaluated: 2025-10-10. Review status: criteria provided, single submitter. Criteria: Invitae Variant Classification Sherloc (09022015). Collection method: clinical testing. Allele origin: germline.
Comment: This sequence change creates a premature translational stop signal (p.Ser1472Phefs*40) in the MYLK gene. This variant occurs within the aortic-specific isoform of MYLK. Loss-of-function variants in the aortic-specific isoform of MYLK are known to be pathogenic for thoracic aortic dissections (PMID: 21055718). This variant is not present in population databases (gnomAD no frequency). This variant has not been reported in the literature in individuals affected with MYLK-related conditions. ClinVar contains an entry for this variant (Variation ID: 3725509). For these reasons, this variant has been classified as Pathogenic.

Literature cited by the submitters: PubMed 21055718.